The following is an entry in ClinVar:

ClinVar aggregate classification (germline): Conflicting classifications of pathogenicity. Review status: criteria provided, conflicting classifications (1 of 4 stars). 2 submissions from 2 submitters: Uncertain significance (1); Likely benign (1). Last evaluated 2023-06-20.

Allele frequency attached by ClinVar (database versions not stated): TOPMed below 0.00001; gnomAD 0.00001.
gnomAD v4.1: 14 of 1,206,179 alleles (0.0012%); highest among the groups gnomAD compares: Non-Finnish European, 0.0016%; no homozygotes.

Submissions (2):

Women's Health and Genetics/Laboratory Corporation of America, LabCorp
Classification: Uncertain significance. Last evaluated: 2023-06-20. Review status: criteria provided, single submitter. Criteria: LabCorp Variant Classification Summary - May 2015. Collection method: clinical testing. Allele origin: germline.
Comment: Variant summary: SHROOM4 c.30C>G (p.Tyr10X) results in a premature termination codon, predicted to cause a truncation of the encoded protein or absence of the protein due to nonsense mediated decay. The variant was absent in 177854 control chromosomes, however other loss of function variants have been reported in gnomad in a small number of hemizygous individuals. To our knowledge, no occurrence of c.30C>G in individuals affected with X-Linked Intellectual Disability, Stocco Dos Santos Type and no experimental evidence demonstrating its impact on protein function have been reported. One submitter has cited clinical-significance assessments for this variant to ClinVar after 2014 and has classified the variant as likely benign. Due to the association of SHROOM4 with disease not being clearly established the variant was classified as VUS.

Genetic Services Laboratory, University of Chicago
Classification: Likely benign. Last evaluated: 2017-01-06. Review status: criteria provided, single submitter. Criteria: ACMG Guidelines, 2015. Collection method: clinical testing. Allele origin: germline. Affected: no.

NM_020717.5(SHROOM4):c.30C>G (p.Tyr10Ter)

Gene: SHROOM4 (shroom family member 4; minus strand). Cytogenetic location: Xp11.22.
Variant type: single nucleotide variant.
Coding change: c.30C>G on transcript NM_020717.5 (MANE Select); coding-DNA position 30, C replaced by G.
Protein change: p.Tyr10Ter; replaces tyrosine 10 with a stop codon.
Molecular consequence: nonsense. On other transcripts: non-coding transcript variant (2).
Genome position (GRCh38, 1-based): chrX:50,813,989, G>C on the plus strand (C>G on the coding strand, the complement: SHROOM4 is on the minus strand). VCF-style: chrX-50813989-G-C. GRCh37 (hg19) VCF-style: chrX-50556989-G-C.
Other names: short protein forms Y10*.
Identifiers: ClinVar variation 436726 (VCV000436726.7), dbSNP rs1428157543, ClinGen allele CA413196838.
Genomic context (GRCh38, chrX:50,813,989, plus strand): 5'-TTCCAGACCCCCCTTAAGGGTGAAGCCCCAGGGTGCCCCCCCTTGCAGCTGCACAGGGAC[G>C]TACTGGAAGGACCCAGGCCGGTTCTCCATCCTCGGCTGGGCTCAGGCGCCGCCGGGCTCC-3'